The following is an entry in ClinVar:

NM_015459.5(ATL3):c.212A>G (p.Lys71Arg)

Gene: ATL3 (atlastin GTPase 3; minus strand). Cytogenetic location: 11q13.1.
Variant type: single nucleotide variant.
Coding change: c.212A>G on transcript NM_015459.5 (MANE Select); coding-DNA position 212, A replaced by G.
Protein change: p.Lys71Arg; replaces lysine 71 with arginine.
Molecular consequence: missense variant.
Genome position (GRCh38, 1-based): chr11:63,659,087, T>C on the plus strand (A>G on the coding strand, the complement: ATL3 is on the minus strand). VCF-style: chr11-63659087-T-C. GRCh37 (hg19) VCF-style: chr11-63426559-T-C.
Other names: c.158A>G, p.Lys53Arg (NM_001290048.2); short protein forms K53R, K71R.
Identifiers: ClinVar variation 1425315 (VCV001425315.6), dbSNP rs2134523954, ClinGen allele CA381030759.
Genomic context (GRCh38, chr11:63,659,087, plus strand): 5'-TTCTATCTTACCTGAGAATATAAGTATCGTAGCATAAAATCCAGAATGAAGGACTTGCCC[T>C]TTCGGAAGGCACCAGCCACTGAAACCACCACCACATCAAGATCTCGGATGTGGTCCTGCA-3'
Protein context (NP_056274.3, residues 61-81): VVVSVAGAFR[Lys71Arg]GKSFILDFML

ClinVar aggregate classification (germline): Uncertain significance (1 of 4 stars; one submission).

Conditions:
Neuropathy, hereditary sensory, type 1F. Also called: HSN IF; Hereditary sensory neuropathy type IF. Identifiers: Orphanet 36386, MedGen C3810194, MONDO:0014286, OMIM 615632.

Allele frequency attached by ClinVar (database versions not stated): gnomAD exomes 0.00002.
gnomAD v4.1: 22 of 1,614,124 alleles (0.0014%); highest among the groups gnomAD compares: Non-Finnish European, 0.0019%; no homozygotes.

Submission:

Labcorp Genetics (formerly Invitae), Labcorp
Classification: Uncertain significance for Neuropathy, hereditary sensory, type 1F. Last evaluated: 2021-10-04. Review status: criteria provided, single submitter. Criteria: Invitae Variant Classification Sherloc (09022015). Collection method: clinical testing. Allele origin: germline.
Comment: This sequence change replaces lysine with arginine at codon 71 of the ATL3 protein (p.Lys71Arg). The lysine residue is highly conserved and there is a small physicochemical difference between lysine and arginine. In summary, the available evidence is currently insufficient to determine the role of this variant in disease. Therefore, it has been classified as a Variant of Uncertain Significance. Algorithms developed to predict the effect of sequence changes on RNA splicing suggest that this variant may create or strengthen a splice site. Algorithms developed to predict the effect of missense changes on protein structure and function (SIFT, PolyPhen-2, Align-GVGD) all suggest that this variant is likely to be disruptive. This variant has not been reported in the literature in individuals affected with ATL3-related conditions. This variant is not present in population databases (ExAC no frequency).